The following is an entry in ClinVar:

NM_000081.4(LYST):c.5751A>G (p.Leu1917=)

Gene: LYST (lysosomal trafficking regulator; minus strand). Cytogenetic location: 1q42.3.
Variant type: single nucleotide variant.
Coding change: c.5751A>G on transcript NM_000081.4 (MANE Select); coding-DNA position 5751, A replaced by G.
Protein change: p.Leu1917=; no amino-acid change (leucine 1917 retained).
Molecular consequence: synonymous variant.
Genome position (GRCh38, 1-based): chr1:235,773,875, T>C on the plus strand (A>G on the coding strand, the complement: LYST is on the minus strand). VCF-style: chr1-235773875-T-C. GRCh37 (hg19) VCF-style: chr1-235937175-T-C.
Other names: c.5751A>G, p.Leu1917= (NM_001301365.1).
Identifiers: ClinVar variation 2868274 (VCV002868274.17), dbSNP rs1394824640, ClinGen allele CA423776524.

ClinVar aggregate classification (germline): Likely benign. Review status: criteria provided, multiple submitters, no conflicts (2 of 4 stars). 2 submissions from 2 submitters: Likely benign (2). Last evaluated 2024-09-01.

Conditions:
Chédiak-Higashi syndrome (CHS). Also called: Chediak-Higashi Syndrome. Identifiers: Orphanet 167, MedGen C0007965, MONDO:0008963, OMIM 214500.

Allele frequency attached by ClinVar (database versions not stated): TOPMed below 0.00001; gnomAD 0.00001; gnomAD exomes below 0.00001.
gnomAD v4.1: 6 of 1,612,446 alleles (0.00037%); highest among the groups gnomAD compares: East Asian, 0.0045%; no homozygotes.

Submissions (2):

CeGaT Center for Human Genetics Tuebingen
Classification: Likely benign. Last evaluated: 2024-09-01. Review status: criteria provided, single submitter. Criteria: CeGaT Center For Human Genetics Tuebingen Variant Classification Criteria Version 2. Collection method: clinical testing. Allele origin: germline. Affected: yes. Observed: 1 variant allele.
Comment: LYST: BP4, BP7

Labcorp Genetics (formerly Invitae), Labcorp
Classification: Likely benign for Chédiak-Higashi syndrome. Last evaluated: 2023-10-23. Review status: criteria provided, single submitter. Criteria: Invitae Variant Classification Sherloc (09022015). Collection method: clinical testing. Allele origin: germline.